The following is an entry in ClinVar:

ClinVar aggregate classification (germline): Uncertain significance. Review status: criteria provided, multiple submitters, no conflicts (2 of 4 stars). 2 submissions from 2 submitters: Uncertain significance (2). Last evaluated 2025-06-22.

Allele frequency attached by ClinVar (database versions not stated): gnomAD 0.00012; TOPMed 0.00014; ESP Exome Variant Server 0.00015; ExAC 0.00021; gnomAD exomes 0.00025.
gnomAD v4.1: 406 of 1,613,894 alleles (0.025%); highest among the groups gnomAD compares: Non-Finnish European, 0.032%; no homozygotes.

Submissions (2):

Labcorp Genetics (formerly Invitae), Labcorp
Classification: Uncertain significance. Last evaluated: 2025-06-22. Review status: criteria provided, single submitter. Criteria: Invitae Variant Classification Sherloc (09022015). Collection method: clinical testing. Allele origin: germline.
Comment: This sequence change replaces leucine, which is neutral and non-polar, with phenylalanine, which is neutral and non-polar, at codon 1189 of the NUP160 protein (p.Leu1189Phe). This variant is present in population databases (rs202064082, gnomAD 0.04%). This variant has not been reported in the literature in individuals affected with NUP160-related conditions. ClinVar contains an entry for this variant (Variation ID: 2455287). An algorithm developed to predict the effect of missense changes on protein structure and function (PolyPhen-2) suggests that this variant is likely to be disruptive. In summary, the available evidence is currently insufficient to determine the role of this variant in disease. Therefore, it has been classified as a Variant of Uncertain Significance.

Ambry Genetics
Classification: Uncertain significance. Last evaluated: 2025-03-19. Review status: criteria provided, single submitter. Criteria: Ambry Variant Classification Scheme 2023. Collection method: clinical testing. Allele origin: germline.

NM_015231.3(NUP160):c.3465G>C (p.Leu1155Phe)

Gene: NUP160 (nucleoporin 160; minus strand). Cytogenetic location: 11p11.2.
Variant type: single nucleotide variant.
Coding change: c.3465G>C on transcript NM_015231.3 (MANE Select); coding-DNA position 3465, G replaced by C.
Protein change: p.Leu1155Phe; replaces leucine 1155 with phenylalanine.
Molecular consequence: missense variant. On other transcripts: non-coding transcript variant (1).
Genome position (GRCh38, 1-based): chr11:47,788,556, C>G on the plus strand (G>C on the coding strand, the complement: NUP160 is on the minus strand). VCF-style: chr11-47788556-C-G. GRCh37 (hg19) VCF-style: chr11-47810108-C-G.
Other names: short protein forms L1155F.
Identifiers: ClinVar variation 2455287 (VCV002455287.4), dbSNP rs202064082, ClinGen allele CA5980659.
Genomic context (GRCh38, chr11:47,788,556, plus strand): 5'-CCTACCAGCAACTGCAACCGCTGATGGATCATGCTGAGCCAAAGTGAGGCGGATGCGAGC[C>G]AAGGAACACTCTTTCTCCAGATCTTCCAGTTCCAGGATTTCAATTTGTCGATTTGCTATA-3'
Protein context (NP_056046.2, residues 1145-1165): ELEDLEKECS[Leu1155Phe]ARIRLTLAQH